The following is an entry in ClinVar:

NM_014625.4(NPHS2):c.67_69del (p.Glu23del)

Gene: NPHS2 (NPHS2 stomatin family member, podocin; minus strand). Cytogenetic location: 1q25.2.
Variant type: Deletion.
Coding change: c.67_69del on transcript NM_014625.4 (MANE Select); coding-DNA positions 67 to 69, 3 bases deleted (GAG; older notation c.67_69delGAG).
Protein change: p.Glu23del; deletes glutamic acid 23.
Molecular consequence: inframe deletion.
Genome position (GRCh38, 1-based): chr1:179,575,796-179,575,798, CTC deleted on the plus strand (GAG on the coding strand, the reverse complement: NPHS2 is on the minus strand); deleting any 3 consecutive bases within chr1:179,575,796-179,575,800 gives the same sequence; the c. name uses the placement nearest the transcript's 3' end. VCF-style (leftmost placement, unchanged base first): chr1-179575795-TCTC-T. GRCh37 (hg19) VCF-style: chr1-179544930-TCTC-T.
Other names: c.67_69del, p.Glu23del (NM_001297575.2); short protein forms E23del.
Identifiers: ClinVar variation 551796 (VCV000551796.4), dbSNP rs1398961188, ClinGen allele CA658822859.

ClinVar aggregate classification (germline): Uncertain significance. Review status: criteria provided, single submitter (1 of 4 stars). 2 submissions from 2 submitters: Uncertain significance (1). 1 of the submissions does not count toward it.

Conditions:
Nephrotic syndrome, type 2 (NPHS2). Also called: NEPHROTIC SYNDROME, STEROID-RESISTANT, AUTOSOMAL RECESSIVE. Identifiers: Orphanet 656, MedGen C1868672, MONDO:0010974, OMIM 600995.

Submissions (2):

Juno Genomics, Hangzhou Juno Genomics, Inc
Classification: Uncertain significance for Nephrotic syndrome, type 2. Review status: criteria provided, single submitter. Criteria: ACMG Guidelines, 2015. Collection method: clinical testing. Allele origin: germline.
Comment: Absent from controls (or at extremely low frequency if recessive) in Genome Aggregation Database.;Protein length changes due to in-frame deletions/insertions in a non-repeat region or stop-loss variants.

Counsyl
Classification: Uncertain significance for Nephrotic syndrome, type 2. Last evaluated: 2017-05-08. Review status: no assertion criteria provided. Collection method: clinical testing. Allele origin: unknown. Not counted in ClinVar's aggregate classification.